The following is an entry in ClinVar:

ClinVar aggregate classification (germline): Uncertain significance (1 of 4 stars; one submission).

Conditions:
Inborn genetic diseases. Identifiers: MedGen C0950123, MeSH D030342.

Submission:

Ambry Genetics
Classification: Uncertain significance for Inborn genetic diseases. Last evaluated: 2025-01-25. Review status: criteria provided, single submitter. Criteria: Ambry Variant Classification Scheme 2023. Collection method: clinical testing. Allele origin: germline.
Comment: The p.L430F variant (also known as c.1290A>T), located in coding exon 11 of the CEP57 gene, results from an A to T substitution at nucleotide position 1290. The leucine at codon 430 is replaced by phenylalanine, an amino acid with highly similar properties. This amino acid position is conserved. In addition, this alteration is predicted to be tolerated by in silico analysis. Based on the available evidence, the clinical significance of this variant remains unclear.

NM_014679.5(CEP57):c.1290A>T (p.Leu430Phe)

Gene: CEP57 (centrosomal protein 57; plus strand). Cytogenetic location: 11q21.
Variant type: single nucleotide variant.
Coding change: c.1290A>T on transcript NM_014679.5 (MANE Select); coding-DNA position 1290, A replaced by T.
Protein change: p.Leu430Phe; replaces leucine 430 with phenylalanine.
Molecular consequence: missense variant.
Genome position (GRCh38, 1-based): chr11:95,831,043, A>T. VCF-style: chr11-95831043-A-T. GRCh37 (hg19) VCF-style: chr11-95564207-A-T.
Other names: c.1209A>T, p.Leu403Phe (NM_001363604.2); c.1263A>T, p.Leu421Phe (NM_001243776.2); c.1212A>T, p.Leu404Phe (NM_001243777.2); short protein forms L403F, L404F, L430F, L421F.
Identifiers: ClinVar variation 3831974 (VCV003831974.1).